The following is an entry in ClinVar:

ClinVar aggregate classification (germline): Likely benign (0 of 4 stars; one submission).

Conditions:
DNM1-related disorder. Also called: DNM1-related condition.

Submission:

PreventionGenetics, part of Exact Sciences
Classification: Likely benign for DNM1-related condition. Last evaluated: 2023-06-27. Review status: no assertion criteria provided. Collection method: clinical testing. Allele origin: germline.
Comment: This variant is classified as likely benign based on ACMG/AMP sequence variant interpretation guidelines (Richards et al. 2015 PMID: 25741868, with internal and published modifications).

NM_004408.4(DNM1):c.2433G>T (p.Gly811=)

Genes: DNM1 (dynamin 1; plus strand), LOC130002699 (ATAC-STARR-seq lymphoblastoid silent region 20333; plus strand). Cytogenetic location: 9q34.11.
Variant type: single nucleotide variant.
Coding change: c.2433G>T on transcript NM_004408.4 (MANE Select); coding-DNA position 2433, G replaced by T.
Protein change: p.Gly811=; no amino-acid change (glycine 811 retained).
Molecular consequence: synonymous variant.
Genome position (GRCh38, 1-based): chr9:128,250,839, G>T. VCF-style: chr9-128250839-G-T. GRCh37 (hg19) VCF-style: chr9-131013118-G-T.
Other names: c.2433G>T, p.Gly811= (NM_001005336.3, NM_001288737.2, NM_001288738.2 and 2 more transcripts).
Identifiers: ClinVar variation 3048984 (VCV003048984.2), dbSNP rs1829474410, ClinGen allele CA467266875.